The following is an entry in ClinVar:

NM_201525.4(ADGRG1):c.528G>A (p.Met176Ile)

Gene: ADGRG1 (adhesion G protein-coupled receptor G1; plus strand). Cytogenetic location: 16q21.
Variant type: single nucleotide variant.
Coding change: c.528G>A on transcript NM_201525.4 (MANE Select); coding-DNA position 528, G replaced by A.
Protein change: p.Met176Ile; replaces methionine 176 with isoleucine.
Molecular consequence: missense variant. On other transcripts: initiator codon variant (5), intron variant (1).
Genome position (GRCh38, 1-based): chr16:57,653,243, G>A. VCF-style: chr16-57653243-G-A. GRCh37 (hg19) VCF-style: chr16-57687155-G-A.
Other names: c.528G>A, p.Met176Ile (NM_001145770.3, NM_001145771.3, NM_001145772.3 and 16 more transcripts); c.543G>A, p.Met181Ile (NM_001145773.3, NM_001370433.1); c.3G>A, p.Met1Ile (NM_001290143.2, NM_001290144.2, NM_001370454.1 and 2 more transcripts); c.111-743G>A (NM_001290142.2); c.372G>A, p.Met124Ile (NM_001370442.1); short protein forms M124I, M176I, M181I, M1I.
Identifiers: ClinVar variation 1310769 (VCV001310769.4), dbSNP rs764160038, ClinGen allele CA8078415.
Genomic context (GRCh38, chr16:57,653,243, plus strand): 5'-CCTGTCCACCCCTCCCCCAGGTCCTCCCCACACGGCCGCTCACAATGCCTCGGTGGACAT[G>A]TGCGAGCTCAAAAGGGACCTCCAGCTGCTCAGCCAGTTCCTGAAGCATCCCCAGAAGGCC-3'
Protein context (NP_958933.1, residues 166-186): HTAAHNASVD[Met176Ile]CELKRDLQLL

ClinVar aggregate classification (germline): Uncertain significance. Review status: criteria provided, multiple submitters, no conflicts (2 of 4 stars). 2 submissions from 2 submitters: Uncertain significance (2). Last evaluated 2025-11-05.

Conditions:
Inborn genetic diseases. Identifiers: MedGen C0950123, MeSH D030342.

Allele frequency attached by ClinVar (database versions not stated): gnomAD exomes 0.00002 and 0.00001; gnomAD 0.00002; TOPMed 0.00004; ExAC 0.00002.

Submissions (2):

Ambry Genetics
Classification: Uncertain significance for Inborn genetic diseases. Last evaluated: 2025-11-05. Review status: criteria provided, single submitter. Criteria: Ambry Variant Classification Scheme 2023. Collection method: clinical testing. Allele origin: germline.

GeneDx
Classification: Uncertain significance. Last evaluated: 2019-12-06. Review status: criteria provided, single submitter. Criteria: GeneDx Variant Classification Process June 2021. Collection method: clinical testing. Allele origin: germline. Affected: yes.
Comment: Not observed at a significant frequency in large population cohorts (Lek et al., 2016); In silico analysis, which includes protein predictors and evolutionary conservation, supports that this variant does not alter protein structure/function; Has not been previously published as pathogenic or benign to our knowledge